The following is an entry in ClinVar:

ClinVar aggregate classification (germline): Likely benign (0 of 4 stars; one submission).

Conditions:
DYRK1B-related disorder. Also called: DYRK1B-related condition.

Allele frequency attached by ClinVar (database versions not stated): ExAC 0.00008; gnomAD 0.00009; gnomAD exomes 0.00010; TOPMed 0.00015.

Submission:

PreventionGenetics, part of Exact Sciences
Classification: Likely benign for DYRK1B-related condition. Last evaluated: 2022-10-19. Review status: no assertion criteria provided. Collection method: clinical testing. Allele origin: germline.
Comment: This variant is classified as likely benign based on ACMG/AMP sequence variant interpretation guidelines (Richards et al. 2015 PMID: 25741868, with internal and published modifications).

NM_004714.3(DYRK1B):c.624C>T (p.Gly208=)

Gene: DYRK1B (dual specificity tyrosine phosphorylation regulated kinase 1B; minus strand). Cytogenetic location: 19q13.2.
Variant type: single nucleotide variant.
Coding change: c.624C>T on transcript NM_004714.3 (MANE Select); coding-DNA position 624, C replaced by T.
Protein change: p.Gly208=; no amino-acid change (glycine 208 retained).
Molecular consequence: synonymous variant.
Genome position (GRCh38, 1-based): chr19:39,828,480, G>A on the plus strand (C>T on the coding strand, the complement: DYRK1B is on the minus strand). VCF-style: chr19-39828480-G-A. GRCh37 (hg19) VCF-style: chr19-40319120-G-A.
Other names: c.624C>T, p.Gly208= (NM_006483.3, NM_006484.3).
Identifiers: ClinVar variation 3041126 (VCV003041126.2), dbSNP rs746346346, ClinGen allele CA9434245.